The following is an entry in ClinVar:

ClinVar aggregate classification (germline): Conflicting classifications of pathogenicity. Review status: criteria provided, conflicting classifications (1 of 4 stars). 2 submissions from 2 submitters: Uncertain significance (1); Likely benign (1). Last evaluated 2023-03-23.

Conditions:
Hereditary cancer-predisposing syndrome. Also called: Neoplastic Syndromes, Hereditary; Hereditary Cancer Syndrome; Tumor predisposition; Hereditary neoplastic syndrome. Identifiers: Orphanet 140162, MedGen C0027672, MeSH D009386, MONDO:0015356.
Hereditary breast ovarian cancer syndrome. Also called: BRCA1- and BRCA2-Associated Hereditary Breast and Ovarian Cancer; Hereditary breast and ovarian cancer; Hereditary breast and ovarian cancer syndrome; Hereditary breast and/or ovarian cancer syndrome; Hereditary breast and ovarian cancer syndrome (HBOC); Breast and ovarian cancer. Identifiers: Orphanet 145, MedGen C0677776, MeSH D061325, MONDO:0003582. Disease mechanism: loss of function.

Submissions (2):

University of Washington Department of Laboratory Medicine, University of Washington
Classification: Likely benign for Hereditary cancer-predisposing syndrome. Last evaluated: 2023-03-23. Review status: criteria provided, single submitter. Criteria: Dines et al. (Genet Med. 2020). Collection method: curation. Allele origin: germline.
Comment: Missense variant in a coldspot region where missense variants are very unlikely to be pathogenic (PMID:31911673).

BRCA1 coldspot (exon 11 using historical exon numbering). Reclassification based on statistical prior probability

Labcorp Genetics (formerly Invitae), Labcorp
Classification: Uncertain significance for Hereditary breast ovarian cancer syndrome. Last evaluated: 2020-12-08. Review status: criteria provided, single submitter. Criteria: Invitae Variant Classification Sherloc (09022015). Collection method: clinical testing. Allele origin: germline.
Comment: In summary, the available evidence is currently insufficient to determine the role of this variant in disease. Therefore, it has been classified as a Variant of Uncertain Significance. Algorithms developed to predict the effect of missense changes on protein structure and function (SIFT, PolyPhen-2, Align-GVGD) all suggest that this variant is likely to be tolerated, but these predictions have not been confirmed by published functional studies and their clinical significance is uncertain. This variant has not been reported in the literature in individuals with BRCA1-related conditions. This variant is not present in population databases (ExAC no frequency). This sequence change replaces serine with alanine at codon 1211 of the BRCA1 protein (p.Ser1211Ala). The serine residue is highly conserved and there is a moderate physicochemical difference between serine and alanine.

NM_007294.4(BRCA1):c.3631T>G (p.Ser1211Ala)

Genes: BRCA1 (BRCA1 DNA repair associated; minus strand), LOC126862571 (BRD4-independent group 4 enhancer GRCh37_chr17:41243136-41244335; plus strand). Cytogenetic location: 17q21.31.
Variant type: single nucleotide variant.
Coding change: c.3631T>G on transcript NM_007294.4 (MANE Select); coding-DNA position 3631, T replaced by G.
Protein change: p.Ser1211Ala; replaces serine 1211 with alanine.
Molecular consequence: missense variant. On other transcripts: intron variant (135).
Genome position (GRCh38, 1-based): chr17:43,091,900, A>C on the plus strand (T>G on the coding strand, the complement: BRCA1 is on the minus strand). VCF-style: chr17-43091900-A-C. GRCh37 (hg19) VCF-style: chr17-41243917-A-C.
Other names: c.524-868T>G (NM_001408496.1, NM_001408499.1, NM_001408498.1 and 3 more transcripts); c.647-868T>G (NM_001408460.1, NM_001408454.1, NM_001408456.1 and 11 more transcripts); c.707-868T>G (NM_001408413.1, NM_001408416.1); c.587-868T>G (NM_001408476.1, NM_001408474.1); c.710-868T>G (NM_001408409.1, NM_001408412.1, NM_001408414.1 and 2 more transcripts); c.575-868T>G (NM_001408493.1, NM_001408490.1, NM_001408491.1); c.455-868T>G (NM_001408502.1); c.578-868T>G (NM_001408489.1, NM_001408479.1, NM_001408482.1 and 9 more transcripts); and 41 more; short protein forms S1164A, S1211A, S1099A, S1122A, S1143A, S1169A, S1208A, S915A.
Identifiers: ClinVar variation 971812 (VCV000971812.13), dbSNP rs2053553313, ClinGen allele CA10594705.